The following is an entry in ClinVar:

ClinVar aggregate classification (germline): Uncertain significance (1 of 4 stars; one submission).

Conditions:
Cardiovascular phenotype. Identifiers: MedGen CN230736.

gnomAD v4.1: 1 of 1,614,196 alleles (0.000062%); highest among the groups gnomAD compares: Non-Finnish European, 0.000085%; no homozygotes.

Submission:

Ambry Genetics
Classification: Uncertain significance for Cardiovascular phenotype. Last evaluated: 2026-06-12. Review status: criteria provided, single submitter. Criteria: Ambry Variant Classification Scheme 2023. Collection method: clinical testing. Allele origin: germline.
Comment: The p.M226T variant (also known as c.677T>C), located in coding exon 6 of the ABCG5 gene, results from a T to C substitution at nucleotide position 677. The methionine at codon 226 is replaced by threonine, an amino acid with similar properties. This amino acid position is conserved. In addition, this alteration is predicted to be tolerated by in silico analysis. Based on the available evidence, the clinical significance of this variant remains unclear.

NM_022436.3(ABCG5):c.677T>C (p.Met226Thr)

Genes: ABCG5 (ATP binding cassette subfamily G member 5; minus strand), DYNC2LI1 (dynein cytoplasmic 2 light intermediate chain 1; plus strand). Cytogenetic location: 2p21.
Variant type: single nucleotide variant.
Coding change: c.677T>C on transcript NM_022436.3 (MANE Select); coding-DNA position 677, T replaced by C.
Protein change: p.Met226Thr; replaces methionine 226 with threonine.
Molecular consequence: missense variant. On other transcripts: intron variant (2).
Genome position (GRCh38, 1-based): chr2:43,826,479, A>G on the plus strand (T>C on the coding strand, the complement: ABCG5 is on the minus strand). VCF-style: chr2-43826479-A-G. GRCh37 (hg19) VCF-style: chr2-44053618-A-G.
Other names: c.*16-907A>G (NM_001348913.2, NM_001348912.2); short protein forms M226T.
Identifiers: ClinVar variation 4863180 (VCV004863180.1).
Genomic context (GRCh38, chr2:43,826,479, plus strand): 5'-ACCACAATTCGGTTCCTGCGAGCCAGTTCCACCAGGAGGACGACAATCTGATTAGCAGTC[A>G]TGCAGTCCAGGCCTGTGGTTGGCTCATCAAACAGCATGACCTCTGCCAGCAAAGAAGGGC-3'
Protein context (NP_071881.1, residues 216-236): FDEPTTGLDC[Met226Thr]TANQIVVLLV